The following is an entry in ClinVar:

ClinVar aggregate classification (germline): Benign/Likely benign. Review status: criteria provided, multiple submitters, no conflicts (2 of 4 stars). 3 submissions from 3 submitters: Benign (2); Likely benign (1). Last evaluated 2026-02-01.

Conditions:
Hereditary angioedema type 1 (HAE1). Identifiers: Orphanet 100050, Orphanet 100051, Orphanet 91378, MedGen C2717906, MONDO:0015053, OMIM 106100.

Allele frequency attached by ClinVar (database versions not stated): TOPMed 0.00029; gnomAD exomes 0.00036 and 0.00049; gnomAD 0.00044 and 0.00049; ESP Exome Variant Server 0.00054; ExAC 0.00060.

Submissions (3):

Labcorp Genetics (formerly Invitae), Labcorp
Classification: Benign. Last evaluated: 2026-02-01. Review status: criteria provided, single submitter. Criteria: Invitae Variant Classification Sherloc (09022015). Collection method: clinical testing. Allele origin: germline.

Blueprint Genetics
Classification: Likely benign. Last evaluated: 2024-10-11. Review status: criteria provided, single submitter. Criteria: ACMG Guidelines, 2015. Collection method: clinical testing. Allele origin: germline.

Illumina Laboratory Services, Illumina
Classification: Benign for Hereditary angioedema type 1. Last evaluated: 2018-01-12. Review status: criteria provided, single submitter. Criteria: ICSL Variant Classification Criteria 13 December 2019. Collection method: clinical testing. Allele origin: germline.
Comment: This variant was observed in the ICSL laboratory as part of a predisposition screen in an ostensibly healthy population. It had not been previously curated by ICSL or reported in the Human Gene Mutation Database (HGMD: prior to June 1st, 2018), and was therefore a candidate for classification through an automated scoring system. Utilizing variant allele frequency, disease prevalence and penetrance estimates, and inheritance mode, an automated score was calculated to assess if this variant is too frequent to cause the disease. Based on the score and internal cut-off values, a variant classified as benign is not then subjected to further curation. The score for this variant resulted in a classification of benign for this disease.

NM_000062.3(SERPING1):c.142A>G (p.Thr48Ala)

Gene: SERPING1 (serpin family G member 1; plus strand). Cytogenetic location: 11q12.1.
Variant type: single nucleotide variant.
Coding change: c.142A>G on transcript NM_000062.3 (MANE Select); coding-DNA position 142, A replaced by G.
Protein change: p.Thr48Ala; replaces threonine 48 with alanine.
Molecular consequence: missense variant.
Genome position (GRCh38, 1-based): chr11:57,599,969, A>G. VCF-style: chr11-57599969-A-G. GRCh37 (hg19) VCF-style: chr11-57367442-A-G.
Other names: c.142A>G, p.Thr48Ala (NM_001032295.2); short protein forms T48A.
Identifiers: ClinVar variation 878120 (VCV000878120.13), dbSNP rs11546661, ClinGen allele CA6007981.